The following is an entry in ClinVar:

Single allele

Genes: ATP8B3 (ATPase phospholipid transporting 8B3; minus strand), LOC130062987 (ATAC-STARR-seq lymphoblastoid active region 13625; plus strand). Cytogenetic location: 19p13.3.
Variant type: Deletion.
Identifiers: ClinVar variation 157427 (VCV000157427.2).

ClinVar aggregate classification (germline): not provided (0 of 4 stars; one submission).

Conditions:
Preeclampsia. Identifiers: Orphanet 275555, MedGen C0032914, MONDO:0005081, HP:0100602.

Submission:

Institute of Molecular and Cell Biology, University of Tartu
No classification provided. Condition: Preeclampsia. Review status: no classification provided. Collection method: case-control. Allele origin: unknown. Affected: yes. Study: Kasak2014.
Comment: The study aimed to determine the contribution of copy number variants in the genetic etiology of normal and complicated pregnancies. The samples represented (i) maternal blood DNA drawn from healthy pregnant women during 1st or 2nd trimester and (ii) maternal and paternal blood DNA drawn at term pregnancy cases representing normal and complicated gestations (severe preeclampsia, PE; gestational diabetes, GD; small-for-gestational age newborn, SGA; large-for-gestational age newborn, LGA). We performed CNV calling based on genome-wide genotyping dataset (Illumina HumanOmniExpress-24-v1 BeadChip) by applying three algorithms, QuantiSNP, GADA (Genome Alteration Detection Algorithm) and CNstream in parallel. The acquired CNV calls were merged with HD-CNV (Hotspot Detector for Copy Number Variants) program and only the CNVs predicted by at least two programs, were considered in subsequent analysis.

Literature cited by the submitters: PubMed 25666259.